The following is an entry in ClinVar:

ClinVar aggregate classification (germline): Uncertain significance (1 of 4 stars; one submission).

gnomAD v4.1: 19 of 1,550,462 alleles (0.0012%); highest among the groups gnomAD compares: African/African-American, 0.022%; no homozygotes.

Submission:

GeneDx
Classification: Uncertain significance. Last evaluated: 2026-08-20. Review status: criteria provided, single submitter. Criteria: GeneDx Variant Classification Process June 2021. Collection method: clinical testing. Allele origin: germline.
Comment: In silico analysis supports that this missense variant has a deleterious effect on protein structure/function; In silico analysis is inconclusive as to whether the variant alters gene splicing. In the absence of RNA/functional studies, the actual effect of this sequence change is unknown.; Has not been previously published as pathogenic or benign to our knowledge

NM_001292063.2(OTOG):c.6337G>A (p.Gly2113Arg)

Gene: OTOG (otogelin; plus strand). Cytogenetic location: 11p15.1.
Variant type: single nucleotide variant.
Coding change: c.6337G>A on transcript NM_001292063.2 (MANE Select); coding-DNA position 6337, G replaced by A.
Protein change: p.Gly2113Arg; replaces glycine 2113 with arginine.
Molecular consequence: missense variant.
Genome position (GRCh38, 1-based): chr11:17,612,664, G>A. VCF-style: chr11-17612664-G-A. GRCh37 (hg19) VCF-style: chr11-17634211-G-A.
Other names: c.6373G>A, p.Gly2125Arg (NM_001277269.2); short protein forms G2113R, G2125R.
Identifiers: ClinVar variation 3767587 (VCV003767587.2).